The following is an entry in ClinVar:

NM_001999.4(FBN2):c.5062C>T (p.Arg1688Cys)

Gene: FBN2 (fibrillin 2; minus strand). Cytogenetic location: 5q23.3.
Variant type: single nucleotide variant.
Coding change: c.5062C>T on transcript NM_001999.4 (MANE Select); coding-DNA position 5062, C replaced by T.
Protein change: p.Arg1688Cys; replaces arginine 1688 with cysteine.
Molecular consequence: missense variant.
Genome position (GRCh38, 1-based): chr5:128,311,312, G>A on the plus strand (C>T on the coding strand, the complement: FBN2 is on the minus strand). VCF-style: chr5-128311312-G-A. GRCh37 (hg19) VCF-style: chr5-127647004-G-A.
Other names: short protein forms R1688C.
Identifiers: ClinVar variation 1745114 (VCV001745114.2), dbSNP rs1561764373, ClinGen allele CA360745900.

ClinVar aggregate classification (germline): Uncertain significance (1 of 4 stars; one submission).

Conditions:
Familial thoracic aortic aneurysm and aortic dissection (TAAD). Also called: Thoracic aortic aneurysms and dissections. Identifiers: Orphanet 91387, MedGen C4707243, MONDO:0019625.

gnomAD v4.1: 5 of 1,614,016 alleles (0.00031%); highest among the groups gnomAD compares: South Asian, 0.0011%; no homozygotes.

Submission:

Ambry Genetics
Classification: Uncertain significance for Familial thoracic aortic aneurysm and aortic dissection. Last evaluated: 2020-01-31. Review status: criteria provided, single submitter. Criteria: Ambry Variant Classification Scheme 2023. Collection method: clinical testing. Allele origin: germline.
Comment: The p.R1688C variant (also known as c.5062C>T), located in coding exon 39 of the FBN2 gene, results from a C to T substitution at nucleotide position 5062. The arginine at codon 1688 is replaced by cysteine, an amino acid with highly dissimilar properties, and is located in the cb EGF-like #24 domain. This amino acid position is highly conserved in available vertebrate species. In addition, this alteration is predicted to be deleterious by in silico analysis. Since supporting evidence is limited at this time, the clinical significance of this alteration remains unclear.